The following is an entry in ClinVar:

NM_000455.5(STK11):c.811A>G (p.Ser271Gly)

Gene: STK11 (serine/threonine kinase 11; plus strand). Cytogenetic location: 19p13.3.
Variant type: single nucleotide variant.
Coding change: c.811A>G on transcript NM_000455.5 (MANE Select); coding-DNA position 811, A replaced by G.
Protein change: p.Ser271Gly; replaces serine 271 with glycine.
Molecular consequence: missense variant. On other transcripts: non-coding transcript variant (1).
Genome position (GRCh38, 1-based): chr19:1,221,289, A>G. VCF-style: chr19-1221289-A-G. GRCh37 (hg19) VCF-style: chr19-1221288-A-G.
Other names: c.811A>G, p.Ser271Gly (NM_001407255.1); short protein forms S271G.
Identifiers: ClinVar variation 5030304 (VCV005030304.1).

ClinVar aggregate classification (germline): Uncertain significance (1 of 4 stars; one submission).

Conditions:
Hereditary cancer-predisposing syndrome. Also called: Neoplastic Syndromes, Hereditary; Tumor predisposition; Hereditary neoplastic syndrome; Hereditary Cancer Syndrome. Identifiers: Orphanet 140162, MedGen C0027672, MeSH D009386, MONDO:0015356.

Submission:

Ambry Genetics
Classification: Uncertain significance for Hereditary cancer-predisposing syndrome. Last evaluated: 2026-07-24. Review status: criteria provided, single submitter. Criteria: Ambry Variant Classification Scheme 2023. Collection method: clinical testing. Allele origin: germline.
Comment: The p.S271G variant (also known as c.811A>G), located in coding exon 6 of the STK11 gene, results from an A to G substitution at nucleotide position 811. The serine at codon 271 is replaced by glycine, an amino acid with similar properties. This amino acid position is conserved. In addition, this alteration is predicted to be tolerated by in silico analysis. Based on the available evidence, the clinical significance of this variant remains unclear.